The following is an entry in ClinVar:

NM_000138.5(FBN1):c.8369A>G (p.His2790Arg)

Gene: FBN1 (fibrillin 1; minus strand). Cytogenetic location: 15q21.1.
Variant type: single nucleotide variant.
Coding change: c.8369A>G on transcript NM_000138.5 (MANE Select); coding-DNA position 8369, A replaced by G.
Protein change: p.His2790Arg; replaces histidine 2790 with arginine.
Molecular consequence: missense variant.
Genome position (GRCh38, 1-based): chr15:48,411,237, T>C on the plus strand (A>G on the coding strand, the complement: FBN1 is on the minus strand). VCF-style: chr15-48411237-T-C. GRCh37 (hg19) VCF-style: chr15-48703434-T-C.
Other names: short protein forms H2790R.
Identifiers: ClinVar variation 659714 (VCV000659714.8), dbSNP rs1271078955, ClinGen allele CA392319349.
Genomic context (GRCh38, chr15:48,411,237, plus strand): 5'-TCCTTTTGGTTGATTTTAAAGAAGCCATCTTCATTTCCAGATTCGATCAAGTATCTGTTG[T>C]GATTCGTCAGAGTTGTAAGAGCTGGAAGGAGTTCTAGGATTCGAACCTTGTTACTGACGT-3'
Protein context (NP_000129.3, residues 2780-2800): LLPALTTLTN[His2790Arg]NRYLIESGNE

ClinVar aggregate classification (germline): Uncertain significance (1 of 4 stars; one submission).

Conditions:
Familial thoracic aortic aneurysm and aortic dissection (TAAD). Also called: Thoracic aortic aneurysms and dissections. Identifiers: Orphanet 91387, MedGen C4707243, MONDO:0019625.
Marfan syndrome (MFS). Also called: FBN1-Related Marfan Syndrome; Marfan syndrome type 1; Marfan's syndrome; Marfan syndrome, classic; MARFAN SYNDROME, TYPE I. Identifiers: Orphanet 284963, Orphanet 558, MedGen C0024796, MONDO:0007947, OMIM 154700.

Allele frequency attached by ClinVar (database versions not stated): gnomAD exomes below 0.00001.

Submission:

Labcorp Genetics (formerly Invitae), Labcorp
Classification: Uncertain significance for Marfan syndrome; Familial thoracic aortic aneurysm and aortic dissection. Last evaluated: 2020-02-29. Review status: criteria provided, single submitter. Criteria: Invitae Variant Classification Sherloc (09022015). Collection method: clinical testing. Allele origin: germline.
Comment: In summary, the available evidence is currently insufficient to determine the role of this variant in disease. Therefore, it has been classified as a Variant of Uncertain Significance. Algorithms developed to predict the effect of missense changes on protein structure and function are either unavailable or do not agree on the potential impact of this missense change (SIFT: "Tolerated"; PolyPhen-2: "Possibly Damaging"; Align-GVGD: "Class C0"). This variant has not been reported in the literature in individuals with FBN1-related disease. This variant is not present in population databases (ExAC no frequency). This sequence change replaces histidine with arginine at codon 2790 of the FBN1 protein (p.His2790Arg). The histidine residue is highly conserved and there is a small physicochemical difference between histidine and arginine.